The following is an entry in ClinVar:

NM_000540.3(RYR1):c.14892C>T (p.Ile4964=)

Gene: RYR1 (ryanodine receptor 1; plus strand). Cytogenetic location: 19q13.2.
Variant type: single nucleotide variant.
Coding change: c.14892C>T on transcript NM_000540.3 (MANE Select); coding-DNA position 14892, C replaced by T.
Protein change: p.Ile4964=; no amino-acid change (isoleucine 4964 retained).
Molecular consequence: synonymous variant.
Genome position (GRCh38, 1-based): chr19:38,586,114, C>T. VCF-style: chr19-38586114-C-T. GRCh37 (hg19) VCF-style: chr19-39076754-C-T.
Other names: c.14877C>T, p.Ile4959= (NM_001042723.2).
Identifiers: ClinVar variation 699382 (VCV000699382.13), dbSNP rs2302297, ClinGen allele CA061776.

ClinVar aggregate classification (germline): Likely benign. Review status: criteria provided, multiple submitters, no conflicts (2 of 4 stars). 4 submissions from 4 submitters: Likely benign (4). Last evaluated 2026-06-01.

Conditions:
RYR1-related disorder. Also called: RYR1-related disorders; RYR1-related condition. Identifiers: MedGen CN239331.
Malignant hyperthermia, susceptibility to, 1 (MHS1). Also called: Anesthesia related hyperthermia; Malignant hyperpyrexia; Fulminating hyperpyrexia; Pharmacogenic myopathy; RYR1-Related Malignant Hyperthermia Susceptibility; Malignant hyperthermia suceptibility 1. Identifiers: Orphanet 423, MedGen C2930980, MONDO:0007783, OMIM 145600.

Allele frequency attached by ClinVar (database versions not stated): TOPMed 0.00001; gnomAD 0.00002; gnomAD exomes 0.00002.
gnomAD v4.1: 24 of 1,614,000 alleles (0.0015%); highest among the groups gnomAD compares: Middle Eastern, 0.033%; no homozygotes.

Submissions (4):

CeGaT Center for Human Genetics Tuebingen
Classification: Likely benign. Last evaluated: 2026-06-01. Review status: criteria provided, single submitter. Criteria: CeGaT Center For Human Genetics Tuebingen Variant Classification Criteria Version 2. Collection method: clinical testing. Allele origin: germline. Affected: yes. Observed: 1 variant allele.
Comment: RYR1: BP4, BP7

Labcorp Genetics (formerly Invitae), Labcorp
Classification: Likely benign for RYR1-related disorder. Last evaluated: 2024-10-26. Review status: criteria provided, single submitter. Criteria: Invitae Variant Classification Sherloc (09022015). Collection method: clinical testing. Allele origin: germline.

All of Us Research Program, National Institutes of Health
Classification: Likely benign for Malignant hyperthermia, susceptibility to, 1. Last evaluated: 2023-11-20. Review status: criteria provided, single submitter. Criteria: ACMG Guidelines, 2015. Collection method: clinical testing. Allele origin: germline. Inheritance: Autosomal dominant inheritance. Observed: 1 variant allele, 1 heterozygote.
Comment: This study involves interpretation of variants in research participants for the purpose of population health screening. Participant phenotype was not available at the time of variant classification. Additional details can be found in publication PMID: 35346344, PMCID: PMC8962531

Color Diagnostics, LLC DBA Color Health
Classification: Likely benign for Malignant hyperthermia, susceptibility to, 1. Last evaluated: 2022-04-29. Review status: criteria provided, single submitter. Criteria: ACMG Guidelines, 2015. Collection method: clinical testing. Allele origin: germline.